The following is an entry in ClinVar:

NM_001127208.3(TET2):c.1453G>T (p.Val485Leu)

Genes: TET2 (tet methylcytosine dioxygenase 2; plus strand), TET2-AS1 (TET2 antisense RNA 1; minus strand). Cytogenetic location: 4q24.
Variant type: single nucleotide variant.
Coding change: c.1453G>T on transcript NM_001127208.3 (MANE Select); coding-DNA position 1453, G replaced by T.
Protein change: p.Val485Leu; replaces valine 485 with leucine.
Molecular consequence: missense variant.
Genome position (GRCh38, 1-based): chr4:105,235,395, G>T. VCF-style: chr4-105235395-G-T. GRCh37 (hg19) VCF-style: chr4-106156552-G-T.
Other names: c.1453G>T, p.Val485Leu (NM_017628.4); short protein forms V485L.
Identifiers: ClinVar variation 2973626 (VCV002973626.4), dbSNP rs1172216828, ClinGen allele CA357794807.
Genomic context (GRCh38, chr4:105,235,395, plus strand): 5'-CCATCTACACATGTATGCAGCCCTTCTCCGATGCTTTCTGAAAGGCCTCAGAATAATTGT[G>T]TGAACAGGAATGACATACAGACTGCAGGGACAATGACTGTTCCATTGTGTTCTGAGAAAA-3'
Protein context (NP_001120680.1, residues 475-495): MLSERPQNNC[Val485Leu]NRNDIQTAGT

ClinVar aggregate classification (germline): Uncertain significance. Review status: criteria provided, multiple submitters, no conflicts (2 of 4 stars). 2 submissions from 2 submitters: Uncertain significance (2). Last evaluated 2025-06-12.

Allele frequency attached by ClinVar (database versions not stated): gnomAD exomes below 0.00001.

Submissions (2):

Ambry Genetics
Classification: Uncertain significance. Last evaluated: 2025-06-12. Review status: criteria provided, single submitter. Criteria: Ambry Variant Classification Scheme 2023. Collection method: clinical testing. Allele origin: germline.
Comment: The p.V485L variant (also known as c.1453G>T), located in coding exon 1 of the TET2 gene, results from a G to T substitution at nucleotide position 1453. The valine at codon 485 is replaced by leucine, an amino acid with highly similar properties. This amino acid position is conserved. In addition, this alteration is predicted to be tolerated by in silico analysis. Based on the available evidence, the clinical significance of this variant remains unclear.

Labcorp Genetics (formerly Invitae), Labcorp
Classification: Uncertain significance. Last evaluated: 2023-10-23. Review status: criteria provided, single submitter. Criteria: Invitae Variant Classification Sherloc (09022015). Collection method: clinical testing. Allele origin: germline.
Comment: This sequence change replaces valine, which is neutral and non-polar, with leucine, which is neutral and non-polar, at codon 485 of the TET2 protein (p.Val485Leu). This variant is present in population databases (no rsID available, gnomAD 0.02%). This variant has not been reported in the literature in individuals affected with TET2-related conditions. An algorithm developed to predict the effect of missense changes on protein structure and function (PolyPhen-2) suggests that this variant is likely to be tolerated. In summary, the available evidence is currently insufficient to determine the role of this variant in disease. Therefore, it has been classified as a Variant of Uncertain Significance.